The following is an entry in ClinVar:

ClinVar aggregate classification (germline): Likely benign (1 of 4 stars; one submission).

Conditions:
Familial adenomatous polyposis 1 (FAP1). Also called: POLYPOSIS, ADENOMATOUS INTESTINAL; FAMILIAL ADENOMATOUS POLYPOSIS 1, ATTENUATED. Identifiers: MedGen C2713442, MONDO:0021056, OMIM 175100. Disease mechanism: loss of function.

Submission:

Myriad Genetics, Inc.
Classification: Likely benign for Familial adenomatous polyposis 1. Last evaluated: 2024-02-27. Review status: criteria provided, single submitter. Criteria: Myriad Autosomal Dominant, Autosomal Recessive and X-Linked Classification Criteria (2023). Collection method: clinical testing. Allele origin: unknown.
Comment: This variant is considered likely benign. This variant is intronic and is not expected to impact mRNA splicing.

NM_000038.6(APC):c.835-19_835-18del

Gene: APC (APC regulator of Wnt signaling pathway; plus strand). Cytogenetic location: 5q22.2.
Variant type: Microsatellite.
Coding change: c.835-19_835-18del on transcript NM_000038.6 (MANE Select); 19 bases into the intron before coding-DNA position 835 through 18 bases into the intron before coding-DNA position 835, 2 bases deleted (TA; older notation c.835-19_835-18delTA).
Molecular consequence: intron variant.
Genome position (GRCh38, 1-based): chr5:112,815,476-112,815,477, TA deleted; deleting any 2 consecutive bases within chr5:112,815,474-112,815,477 gives the same sequence; the c. name uses the placement nearest the transcript's 3' end. VCF-style (leftmost placement, unchanged base first): chr5-112815473-CTA-C. GRCh37 (hg19) VCF-style: chr5-112151170-CTA-C.
Other names: c.-15-19_-15-18del (NM_001407470.1, NM_001407472.1, NM_001354906.2 and 1 more transcripts); c.835-19_835-18del (NM_001407447.1, NM_001354895.2, NM_001407456.1 and 12 more transcripts); c.751-19_751-18del (NM_001407452.1, NM_001407469.1, NM_001354899.2 and 1 more transcripts); c.865-19_865-18del (NM_001407446.1, NM_001354897.2, NM_001354902.2); c.781-19_781-18del (NM_001127511.3); c.658-19_658-18del (NM_001407453.1, NM_001354900.2, NM_001354901.2 and 1 more transcripts); c.760-19_760-18del (NM_001407451.1, NM_001354898.2, NM_001354904.2).
Identifiers: ClinVar variation 3148382 (VCV003148382.1), dbSNP rs2532963559, ClinGen allele CA2825001377.